The following is an entry in ClinVar:

NM_002528.7(NTHL1):c.862C>A (p.Arg288Ser)

Gene: NTHL1 (nth like DNA glycosylase 1; minus strand). Cytogenetic location: 16p13.3.
Variant type: single nucleotide variant.
Coding change: c.862C>A on transcript NM_002528.7 (MANE Select); coding-DNA position 862, C replaced by A.
Protein change: p.Arg288Ser; replaces arginine 288 with serine.
Molecular consequence: missense variant.
Genome position (GRCh38, 1-based): chr16:2,039,977, G>T on the plus strand (C>A on the coding strand, the complement: NTHL1 is on the minus strand). VCF-style: chr16-2039977-G-T. GRCh37 (hg19) VCF-style: chr16-2089978-G-T.
Other names: c.691C>A, p.Arg231Ser (NM_001318193.2); c.532C>A, p.Arg178Ser (NM_001318194.2); short protein forms R178S, R231S, R288S.
Identifiers: ClinVar variation 5025888 (VCV005025888.1).
Genomic context (GRCh38, chr16:2,039,977, plus strand): 5'-GCGGCCATCAGAGACCCTGGGCGGCCGGGCAGAGGGCTTGGTTGAGGCAGGCGTGGCAGC[G>T]AGGGTGCACAGGCAGACAGGTCTGCTGGCCGAAGCCCACCAAGAGTCCATTGATCTCGTG-3'
Protein context (NP_002519.2, residues 278-298): GQQTCLPVHP[Arg288Ser]CHACLNQALC

ClinVar aggregate classification (germline): Uncertain significance (1 of 4 stars; one submission).

Conditions:
Hereditary cancer-predisposing syndrome. Also called: Neoplastic Syndromes, Hereditary; Tumor predisposition; Hereditary neoplastic syndrome; Hereditary Cancer Syndrome. Identifiers: Orphanet 140162, MedGen C0027672, MeSH D009386, MONDO:0015356.

Submission:

Ambry Genetics
Classification: Uncertain significance for Hereditary cancer-predisposing syndrome. Last evaluated: 2026-07-06. Review status: criteria provided, single submitter. Criteria: Ambry Variant Classification Scheme 2023. Collection method: clinical testing. Allele origin: germline.
Comment: The p.R296S variant (also known as c.886C>A), located in coding exon 6 of the NTHL1 gene, results from a C to A substitution at nucleotide position 886. The arginine at codon 296 is replaced by serine, an amino acid with dissimilar properties. This amino acid position is conserved. In addition, the in silico prediction for this alteration is inconclusive. Based on the available evidence, the clinical significance of this variant remains unclear.